The following is an entry in ClinVar:

NM_001378457.1(DMXL2):c.790G>A (p.Val264Met)

Gene: DMXL2 (Dmx like 2; minus strand). Cytogenetic location: 15q21.2.
Variant type: single nucleotide variant.
Coding change: c.790G>A on transcript NM_001378457.1 (MANE Select); coding-DNA position 790, G replaced by A.
Protein change: p.Val264Met; replaces valine 264 with methionine.
Molecular consequence: missense variant. On other transcripts: non-coding transcript variant (2).
Genome position (GRCh38, 1-based): chr15:51,545,723, C>T on the plus strand (G>A on the coding strand, the complement: DMXL2 is on the minus strand). VCF-style: chr15-51545723-C-T. GRCh37 (hg19) VCF-style: chr15-51837920-C-T.
Other names: c.790G>A, p.Val264Met (NM_001174116.3, NM_001174117.3, NM_001378458.1 and 7 more transcripts); c.790G>A (NM_001174116.1); short protein forms V264M.
Identifiers: ClinVar variation 1929138 (VCV001929138.4), dbSNP rs1219911643, ClinGen allele CA392469119.

ClinVar aggregate classification (germline): Uncertain significance. Review status: criteria provided, multiple submitters, no conflicts (2 of 4 stars). 2 submissions from 2 submitters: Uncertain significance (2). Last evaluated 2023-10-25.

Conditions:
Inborn genetic diseases. Identifiers: MedGen C0950123, MeSH D030342.

Allele frequency attached by ClinVar (database versions not stated): gnomAD exomes below 0.00001; gnomAD 0.00001.
gnomAD v4.1: 6 of 1,613,452 alleles (0.00037%); highest among the groups gnomAD compares: African/African-American, 0.0053%; no homozygotes.

Submissions (2):

Ambry Genetics
Classification: Uncertain significance for Inborn genetic diseases. Last evaluated: 2023-10-25. Review status: criteria provided, single submitter. Criteria: Ambry Variant Classification Scheme 2023. Collection method: clinical testing. Allele origin: germline.

Labcorp Genetics (formerly Invitae), Labcorp
Classification: Uncertain significance. Last evaluated: 2023-03-23. Review status: criteria provided, single submitter. Criteria: Invitae Variant Classification Sherloc (09022015). Collection method: clinical testing. Allele origin: germline.
Comment: In summary, the available evidence is currently insufficient to determine the role of this variant in disease. Therefore, it has been classified as a Variant of Uncertain Significance. An algorithm developed to predict the effect of missense changes on protein structure and function (PolyPhen-2) suggests that this variant is likely to be disruptive. ClinVar contains an entry for this variant (Variation ID: 1929138). This variant has not been reported in the literature in individuals affected with DMXL2-related conditions. This variant is present in population databases (no rsID available, gnomAD 0.007%). This sequence change replaces valine, which is neutral and non-polar, with methionine, which is neutral and non-polar, at codon 264 of the DMXL2 protein (p.Val264Met).